The following is an entry in ClinVar:

NM_004431.5(EPHA2):c.2915_2916del (p.Val972fs)

Gene: EPHA2 (EPH receptor A2; minus strand). Cytogenetic location: 1p36.13.
Variant type: Microsatellite.
Coding change: c.2915_2916del on transcript NM_004431.5 (MANE Select); coding-DNA positions 2915 to 2916, 2 bases deleted (TG; older notation c.2915_2916delTG).
Protein change: p.Val972fs; shifts the reading frame from valine 972.
Molecular consequence: frameshift variant.
Genome position (GRCh38, 1-based): chr1:16,125,230-16,125,231, CA deleted on the plus strand (TG on the coding strand, the reverse complement: EPHA2 is on the minus strand); deleting any 2 consecutive bases within chr1:16,125,230-16,125,233 gives the same sequence; the c. name uses the placement nearest the transcript's 3' end. VCF-style (leftmost placement, unchanged base first): chr1-16125229-CCA-C. GRCh37 (hg19) VCF-style: chr1-16451724-CCA-C.
Other names: c.2753_2754del, p.Val918fs (NM_001329090.2); short protein forms V972fs, V918fs.
Identifiers: ClinVar variation 849920 (VCV000849920.8), dbSNP rs2024441691, ClinGen allele CA916082002.

ClinVar aggregate classification (germline): Pathogenic. Review status: criteria provided, single submitter (1 of 4 stars). 2 submissions from 2 submitters: Pathogenic (1). 1 of the submissions does not count toward it. Last evaluated 2019-12-30.

Conditions:
Cataract 6 multiple types. Also called: CATARACT, AGE-RELATED CORTICAL, 2; CATARACT 6, POSTERIOR POLAR; CATARACT 6, CONGENITAL TOTAL. Identifiers: Orphanet 91492, MedGen C1861825, MONDO:0007288, OMIM 116600.

Submissions (2):

Labcorp Genetics (formerly Invitae), Labcorp
Classification: Pathogenic for Cataract 6 multiple types. Last evaluated: 2019-12-30. Review status: criteria provided, single submitter. Criteria: Invitae Variant Classification Sherloc (09022015). Collection method: clinical testing. Allele origin: germline.
Comment: This variant results in an extension of the EPHA2 protein. Other variant(s) that result in a similarly extended protein product (p.Ile976Hisfs*37) have been determined to be pathogenic (PMID: 24940039). This suggests that these extensions are likely to be causative of disease. This variant has been reported to affect EPHA2 protein function (PMID: 22570727, 26900323). This variant has been observed in individual(s) with autosomal dominant congenital cataracts (PMID: 19306328, Invitae). This variant is also known as c.2915_2916delTG (p.V972GfsX39) in the literature. This variant is not present in population databases (ExAC no frequency). This sequence change results in a frameshift in the EPHA2 gene (p.Val972Glyfs*40). While this is not anticipated to result in nonsense mediated decay, it is expected to disrupt the last 5 amino acids of the EPHA2 protein and extend the protein by an additional 34 amino acids. For these reasons, this variant has been classified as Pathogenic.

OMIM
Classification: Pathogenic for CATARACT 6, POSTERIOR POLAR. Last evaluated: 2009-05-01. Review status: no assertion criteria provided. Collection method: literature only. Allele origin: germline. Not counted in ClinVar's aggregate classification.

Literature cited by the submitters: PubMed 24940039 (cited by Labcorp Genetics (formerly Invitae), Labcorp); PubMed 22570727 (cited by Labcorp Genetics (formerly Invitae), Labcorp); PubMed 26900323 (cited by Labcorp Genetics (formerly Invitae), Labcorp); PubMed 19306328 (cited by Labcorp Genetics (formerly Invitae), Labcorp and OMIM); PubMed 9002669 (cited by OMIM); PubMed 12167657 (cited by OMIM); PubMed 16051609 (cited by OMIM).